The following is an entry in ClinVar:

NM_014847.4(UBAP2L):c.2968C>T (p.Gln990Ter)

Gene: UBAP2L (ubiquitin associated protein 2 like; plus strand). Cytogenetic location: 1q21.3.
Variant type: single nucleotide variant.
Coding change: c.2968C>T on transcript NM_014847.4 (MANE Select); coding-DNA position 2968, C replaced by T.
Protein change: p.Gln990Ter; replaces glutamine 990 with a stop codon.
Molecular consequence: nonsense.
Genome position (GRCh38, 1-based): chr1:154,266,566, C>T. VCF-style: chr1-154266566-C-T. GRCh37 (hg19) VCF-style: chr1-154239042-C-T.
Other names: c.3001C>T, p.Gln1001Ter (NM_001287816.1, NM_001330730.1, NM_001375612.1 and 2 more transcripts); c.2968C>T, p.Gln990Ter (NM_001375614.1, NM_001375615.1, NM_001375616.1 and 10 more transcripts); short protein forms Q1001*, Q990*.
Identifiers: ClinVar variation 3775286 (VCV003775286.1).

ClinVar aggregate classification (germline): Likely pathogenic (1 of 4 stars; one submission).

Conditions:
Neurodevelopmental disorder with impaired language, behavioral abnormalities, and dysmorphic facies (NEDLBF). Identifiers: MedGen C5882686, MONDO:0957588, OMIM 620494.

Submission:

3billion
Classification: Likely pathogenic for Neurodevelopmental disorder with impaired language, behavioral abnormalities, and dysmorphic facies. Last evaluated: 2023-11-09. Review status: criteria provided, single submitter. Criteria: ACMG Guidelines, 2015. Collection method: clinical testing. Allele origin: germline. Affected: yes.
Comment: The variant is not observed in the gnomAD v2.1.1 dataset. Predicted Consequence/Location: Stop-gained (nonsense): predicted to result in a loss or disruption of normal protein function through nonsense-mediated decay (NMD) or protein truncation. Multiple pathogenic variants are reported downstream of the variant. Therefore, this variant is classified as Likely pathogenic according to the recommendation of ACMG/AMP guideline.